The following is an entry in ClinVar:

NM_033641.4(COL4A6):c.726A>C (p.Pro242=)

Gene: COL4A6 (collagen type IV alpha 6 chain; minus strand). Cytogenetic location: Xq22.3.
Variant type: single nucleotide variant.
Coding change: c.726A>C on transcript NM_033641.4 (MANE Select); coding-DNA position 726, A replaced by C.
Protein change: p.Pro242=; no amino-acid change (proline 242 retained).
Molecular consequence: synonymous variant.
Genome position (GRCh38, 1-based): chrX:108,204,374, T>G on the plus strand (A>C on the coding strand, the complement: COL4A6 is on the minus strand). VCF-style: chrX-108204374-T-G. GRCh37 (hg19) VCF-style: chrX-107447604-T-G.
Other names: c.726A>C, p.Pro242= (NM_001287758.2, NM_001287759.2, NM_001287760.2); c.729A>C, p.Pro243= (NM_001847.4); c.729A>C (NM_001847.3).
Identifiers: ClinVar variation 593643 (VCV000593643.13), dbSNP rs149989161, ClinGen allele CA10488021.

ClinVar aggregate classification (germline): Conflicting classifications of pathogenicity. Review status: criteria provided, conflicting classifications (1 of 4 stars). 3 submissions from 3 submitters: Uncertain significance (1); Likely benign (2). Last evaluated 2025-07-06.

Conditions:
COL4A6-related disorder. Also called: COL4A6-related condition.

Allele frequency attached by ClinVar (database versions not stated): gnomAD 0.00029 and 0.00026; TOPMed 0.00033; gnomAD exomes 0.00002 and 0.00008; ExAC 0.00010; 1000 Genomes Project 30x 0.00021; 1000 Genomes Project 0.00026; ESP Exome Variant Server 0.00028.
gnomAD v4.1: 59 of 1,205,945 alleles (0.0049%); highest among the groups gnomAD compares: African/African-American, 0.061%; no homozygotes.

Submissions (3):

Labcorp Genetics (formerly Invitae), Labcorp
Classification: Likely benign. Last evaluated: 2025-07-06. Review status: criteria provided, single submitter. Criteria: Invitae Variant Classification Sherloc (09022015). Collection method: clinical testing. Allele origin: germline.

PreventionGenetics, part of Exact Sciences
Classification: Likely benign for COL4A6-related condition. Last evaluated: 2024-10-17. Review status: criteria provided, single submitter. Criteria: ACMG Guidelines, 2015. Collection method: clinical testing. Allele origin: germline.
Comment: This variant is classified as likely benign based on ACMG/AMP sequence variant interpretation guidelines (Richards et al. 2015 PMID: 25741868, with internal and published modifications).

Eurofins Ntd Llc (ga)
Classification: Uncertain significance. Last evaluated: 2017-09-01. Review status: criteria provided, single submitter. Criteria: EGL Classification Definitions 2015. Collection method: clinical testing. Allele origin: germline. Observed: 1 variant allele, 1 heterozygote.